The following is an entry in ClinVar:

ClinVar aggregate classification (germline): Benign (1 of 4 stars; one submission).

Allele frequency attached by ClinVar (database versions not stated): gnomAD exomes 0.00537; gnomAD 0.04830 and 0.05172; 1000 Genomes Project 0.05292; TOPMed 0.05517; 1000 Genomes Project 30x 0.05778.
gnomAD v4.1: 10,246 of 674,832 alleles (1.5%); highest among the groups gnomAD compares: African/African-American, 17%; 865 homozygotes.

Submission:

GeneDx
Classification: Benign. Last evaluated: 2018-06-19. Review status: criteria provided, single submitter. Criteria: GeneDx Variant Classification (06012015). Collection method: clinical testing. Allele origin: germline. Affected: yes.
Comment: This variant is considered likely benign or benign based on one or more of the following criteria: it is a conservative change, it occurs at a poorly conserved position in the protein, it is predicted to be benign by multiple in silico algorithms, and/or has population frequency not consistent with disease.

NM_005633.4(SOS1):c.1858+142A>G

Gene: SOS1 (SOS Ras/Rac guanine nucleotide exchange factor 1; minus strand). Cytogenetic location: 2p22.1.
Variant type: single nucleotide variant.
Coding change: c.1858+142A>G on transcript NM_005633.4 (MANE Select); 142 bases into the intron after coding-DNA position 1858, A replaced by G.
Molecular consequence: intron variant.
Genome position (GRCh38, 1-based): chr2:39,022,428, T>C on the plus strand (A>G on the coding strand, the complement: SOS1 is on the minus strand). VCF-style: chr2-39022428-T-C. GRCh37 (hg19) VCF-style: chr2-39249569-T-C.
Other names: c.1837+142A>G (NM_001382394.1); c.1858+142A>G (NM_001382395.1).
Identifiers: ClinVar variation 561373 (VCV000561373.1), dbSNP rs72918710, ClinGen allele CA45674196.
Genomic context (GRCh38, chr2:39,022,428, plus strand): 5'-GGTAAGGTTAAAAAAAAGTATTTAAGTGTAGTAGAAAAAGTAAAACATTCCAAAGAAATA[T>C]AAAGTGGGGTATTTTTAGTCAAAGAAAAGAGGTCTTTGGTTGTTAGTTTCTTTTCTATTT-3'